The following is an entry in ClinVar:

NM_000021.4(PSEN1):c.506C>T (p.Ser169Leu)

Gene: PSEN1 (presenilin 1; plus strand). Cytogenetic location: 14q24.2.
Variant type: single nucleotide variant.
Coding change: c.506C>T on transcript NM_000021.4 (MANE Select); coding-DNA position 506, C replaced by T.
Protein change: p.Ser169Leu; replaces serine 169 with leucine.
Molecular consequence: missense variant.
Genome position (GRCh38, 1-based): chr14:73,186,878, C>T. VCF-style: chr14-73186878-C-T. GRCh37 (hg19) VCF-style: chr14-73653586-C-T.
Other names: c.494C>T, p.Ser165Leu (NM_007318.3); short protein forms S169L, S165L.
Identifiers: ClinVar variation 98041 (VCV000098041.7), dbSNP rs63751210, ClinGen allele CA225045.

ClinVar aggregate classification (germline): Pathogenic/Likely pathogenic. Review status: criteria provided, multiple submitters, no conflicts (2 of 4 stars). 3 submissions from 3 submitters: Pathogenic (1); Likely pathogenic (1). 1 of the submissions does not count toward it. Last evaluated 2025-09-25.

Conditions:
Alzheimer disease 3 (AD3). Also called: ALZHEIMER DISEASE, FAMILIAL, 3. Identifiers: Orphanet 1020, MedGen C1843013, MONDO:0011913, OMIM 607822.
Acne inversa, familial, 3 (ACNINV3). Identifiers: MedGen C3151038, MONDO:0013398, OMIM 613737.
Frontotemporal dementia (FTD1). Also called: Frontotemporal Dementia with Parkinsonism-17 (FTDP-17); FRONTOTEMPORAL DEMENTIA WITH PARKINSONISM; FRONTOTEMPORAL LOBE DEMENTIA; MULTIPLE SYSTEM TAUOPATHY WITH PRESENILE DEMENTIA; Dementia, frontotemporal, with or without parkinsonism; WILHELMSEN-LYNCH DISEASE. Identifiers: Orphanet 282, MedGen C0338451, MONDO:0017276, OMIM 600274, HP:0002145.
Pick disease. Also called: PICK DISEASE OF BRAIN; DEMENTIA WITH LOBAR ATROPHY AND NEURONAL CYTOPLASMIC INCLUSIONS; LOBAR ATROPHY OF BRAIN; Pick's disease; Pick Disease of the Brain. Identifiers: Orphanet 282, MedGen C0236642, MONDO:0008243, OMIM 172700.

Submissions (3):

Women's Health and Genetics/Laboratory Corporation of America, LabCorp
Classification: Likely pathogenic for Alzheimer disease 3. Last evaluated: 2025-09-25. Review status: criteria provided, single submitter. Criteria: LabCorp Variant Classification Summary - May 2015. Collection method: clinical testing. Allele origin: germline.
Comment: Variant summary: PSEN1 c.506C>T (p.Ser169Leu) results in a non-conservative amino acid change in the encoded protein sequence. Algorithms developed to predict the effect of missense changes on protein structure and function all suggest that this variant is likely to be disruptive. The variant was absent in 251416 control chromosomes. c.506C>T has been observed in individual(s) affected with Alzheimer Disease, Type 3 (Braga-Neto_2013, Taddei_1998, Tako_2001, Mann_2001, Moro_2012). These data indicate that the variant is likely to be associated with disease. To our knowledge, no experimental evidence demonstrating an impact on protein function has been reported. The following publications have been ascertained in the context of this evaluation (PMID: 23483213, 11395394, 23143229, 9831473, 11764087). ClinVar contains an entry for this variant (Variation ID: 98041). Based on the evidence outlined above, the variant was classified as likely pathogenic.

Labcorp Genetics (formerly Invitae), Labcorp
Classification: Pathogenic for Alzheimer disease 3; Pick disease; Acne inversa, familial, 3; Frontotemporal dementia. Last evaluated: 2022-05-27. Review status: criteria provided, single submitter. Criteria: Invitae Variant Classification Sherloc (09022015). Collection method: clinical testing. Allele origin: germline.
Comment: ClinVar contains an entry for this variant (Variation ID: 98041). This sequence change replaces serine, which is neutral and polar, with leucine, which is neutral and non-polar, at codon 169 of the PSEN1 protein (p.Ser169Leu). This variant is not present in population databases (gnomAD no frequency). This missense change has been observed in individuals with PSEN1-related conditions (PMID: 9831473, 11764087, 23483213). Advanced modeling of protein sequence and biophysical properties (such as structural, functional, and spatial information, amino acid conservation, physicochemical variation, residue mobility, and thermodynamic stability) performed at Invitae indicates that this missense variant is expected to disrupt PSEN1 protein function. For these reasons, this variant has been classified as Pathogenic.

VIB  Department of Molecular Genetics, University of Antwerp
No classification provided. Review status: no classification provided. Collection method: not provided. Allele origin: not provided. Not counted in ClinVar's aggregate classification.

Literature cited by the submitters: PubMed 23143229 (cited by Women's Health and Genetics/Laboratory Corporation of America, LabCorp); PubMed 23483213 (cited by Women's Health and Genetics/Laboratory Corporation of America, LabCorp and Labcorp Genetics (formerly Invitae), Labcorp); PubMed 11395394 (cited by Women's Health and Genetics/Laboratory Corporation of America, LabCorp); PubMed 9831473 (cited by Women's Health and Genetics/Laboratory Corporation of America, LabCorp and Labcorp Genetics (formerly Invitae), Labcorp); PubMed 11764087 (cited by Women's Health and Genetics/Laboratory Corporation of America, LabCorp and Labcorp Genetics (formerly Invitae), Labcorp).